The following is an entry in ClinVar:

NM_000426.4(LAMA2):c.812C>T (p.Thr271Ile)

Gene: LAMA2 (laminin subunit alpha 2; plus strand). Cytogenetic location: 6q22.33.
Variant type: single nucleotide variant.
Coding change: c.812C>T on transcript NM_000426.4 (MANE Select); coding-DNA position 812, C replaced by T.
Protein change: p.Thr271Ile; replaces threonine 271 with isoleucine.
Molecular consequence: missense variant.
Genome position (GRCh38, 1-based): chr6:129,144,073, C>T. VCF-style: chr6-129144073-C-T. GRCh37 (hg19) VCF-style: chr6-129465218-C-T.
Other names: c.812C>T, p.Thr271Ile (NM_001079823.2); short protein forms T271I.
Identifiers: ClinVar variation 5003249 (VCV005003249.1).

ClinVar aggregate classification (germline): Uncertain significance (1 of 4 stars; one submission).

Conditions:
LAMA2-related muscular dystrophy (LAMA2-RD). Also called: Laminin alpha 2-related dystrophy. Identifiers: MedGen C5679788, MONDO:0100228.

Submission:

Myriad Genetics, Inc.
Classification: Uncertain significance for LAMA2-related muscular dystrophy. Last evaluated: 2026-01-16. Review status: criteria provided, single submitter. Criteria: Myriad Autosomal Dominant, Autosomal Recessive and X-Linked Classification Criteria (2023). Collection method: clinical testing. Allele origin: unknown.
Comment: NM_000426.3(LAMA2):c.812C>T(T271I) is a missense variant classified as a variant of uncertain significance in the context of muscular dystrophy, LAMA2-related. T271I has not been observed in cases with relevant disease. Relevant functional assessments of this variant are not available in the literature. T271I has not been observed in referenced population frequency databases. In summary, there is insufficient evidence to classify NM_000426.3(LAMA2):c.812C>T(T271I) as pathogenic or benign. Please note: this variant was assessed in the context of healthy population screening.